The following is an entry in ClinVar:

ClinVar aggregate classification (germline): Uncertain significance. Review status: criteria provided, multiple submitters, no conflicts (2 of 4 stars). 5 submissions from 5 submitters: Uncertain significance (5). Last evaluated 2024-12-09.

Conditions:
Inborn genetic diseases. Identifiers: MedGen C0950123, MeSH D030342.
Mitochondrial complex IV deficiency, nuclear type 3. Also called: Mitochondrial complex 4 deficiency, nuclear type 3. Identifiers: MedGen C5436682, MONDO:0033635, OMIM 619046.
Leigh syndrome (NULS). Also called: Subacute necrotizing encephalopathy; Necrotizing encephalopathy infantile subacute of Leigh; Leigh's syndrome; Leigh Disease; LEIGH SYNDROME, NUCLEAR; Leigh's necrotizing encephalopathy. Identifiers: Orphanet 506, MedGen C2931891, MONDO:0009723, OMIM 256000.

Allele frequency attached by ClinVar (database versions not stated): gnomAD exomes 0.00003 and 0.00009; gnomAD 0.00005 and 0.00006; ExAC 0.00006; ESP Exome Variant Server 0.00008; TOPMed 0.00011.
gnomAD v4.1: 137 of 1,613,968 alleles (0.0085%); highest among the groups gnomAD compares: African/African-American, 0.011%; no homozygotes.

Submissions (5):

Labcorp Genetics (formerly Invitae), Labcorp
Classification: Uncertain significance. Last evaluated: 2024-12-09. Review status: criteria provided, single submitter. Criteria: Invitae Variant Classification Sherloc (09022015). Collection method: clinical testing. Allele origin: germline.
Comment: This sequence change replaces arginine, which is basic and polar, with cysteine, which is neutral and slightly polar, at codon 398 of the COX10 protein (p.Arg398Cys). This variant is present in population databases (rs368724576, gnomAD 0.007%). This variant has not been reported in the literature in individuals affected with COX10-related conditions. ClinVar contains an entry for this variant (Variation ID: 1031966). Invitae Evidence Modeling of protein sequence and biophysical properties (such as structural, functional, and spatial information, amino acid conservation, physicochemical variation, residue mobility, and thermodynamic stability) indicates that this missense variant is expected to disrupt COX10 protein function with a positive predictive value of 80%. In summary, the available evidence is currently insufficient to determine the role of this variant in disease. Therefore, it has been classified as a Variant of Uncertain Significance.

Fulgent Genetics
Classification: Uncertain significance for Mitochondrial complex IV deficiency, nuclear type 3. Last evaluated: 2024-06-11. Review status: criteria provided, single submitter. Criteria: ACMG Guidelines, 2015. Collection method: clinical testing. Allele origin: germline.

Ambry Genetics
Classification: Uncertain significance for Inborn genetic diseases. Last evaluated: 2024-01-30. Review status: criteria provided, single submitter. Criteria: Ambry Variant Classification Scheme 2023. Collection method: clinical testing. Allele origin: germline.

Baylor Genetics
Classification: Uncertain significance for Leigh syndrome. Last evaluated: 2018-07-09. Review status: criteria provided, single submitter. Criteria: ACMG Guidelines, 2015. Collection method: clinical testing. Allele origin: unknown. Affected: yes.
Comment: This variant was determined to be of uncertain significance according to ACMG Guidelines, 2015 [PMID:25741868].

Breakthrough Genomics
Classification: Uncertain significance. Review status: criteria provided, single submitter. Criteria: ACMG Guidelines, 2015. Collection method: not provided. Allele origin: germline. Inheritance: Autosomal recessive inheritance. Affected: yes.

NM_001303.4(COX10):c.1192C>T (p.Arg398Cys)

Gene: COX10 (cytochrome c oxidase assembly factor heme A:farnesyltransferase COX10; plus strand). Cytogenetic location: 17p12.
Variant type: single nucleotide variant.
Coding change: c.1192C>T on transcript NM_001303.4 (MANE Select); coding-DNA position 1192, C replaced by T.
Protein change: p.Arg398Cys; replaces arginine 398 with cysteine.
Molecular consequence: missense variant.
Genome position (GRCh38, 1-based): chr17:14,207,073, C>T. VCF-style: chr17-14207073-C-T. GRCh37 (hg19) VCF-style: chr17-14110390-C-T.
Other names: short protein forms R398C.
Identifiers: ClinVar variation 1031966 (VCV001031966.9), dbSNP rs368724576, ClinGen allele CA8402549.